The following is an entry in ClinVar:

NM_001330078.2(NRXN1):c.2963G>A (p.Trp988Ter)

Gene: NRXN1 (neurexin 1; minus strand). Cytogenetic location: 2p16.3.
Variant type: single nucleotide variant.
Coding change: c.2963G>A on transcript NM_001330078.2 (MANE Select); coding-DNA position 2963, G replaced by A.
Protein change: p.Trp988Ter; replaces tryptophan 988 with a stop codon.
Molecular consequence: nonsense.
Genome position (GRCh38, 1-based): chr2:50,496,012, C>T on the plus strand (G>A on the coding strand, the complement: NRXN1 is on the minus strand). VCF-style: chr2-50496012-C-T. GRCh37 (hg19) VCF-style: chr2-50723150-C-T.
Other names: c.3083G>A, p.Trp1028Ter (NM_001135659.3); c.2939G>A, p.Trp980Ter (NM_001330077.2, NM_001330082.2); c.2897G>A, p.Trp966Ter (NM_001330083.2, NM_001330084.2); c.2936G>A, p.Trp979Ter (NM_001330085.2); c.2963G>A, p.Trp988Ter (NM_001330086.2, NM_004801.6); c.2852G>A, p.Trp951Ter (NM_001330087.2, NM_001330096.2); c.2882G>A, p.Trp961Ter (NM_001330088.2); c.2960G>A, p.Trp987Ter (NM_001330093.2); and 2 more; short protein forms W966*, W1028*, W951*, W961*, W984*, W987*, W988*, W971*.
Identifiers: ClinVar variation 2814705 (VCV002814705.3), dbSNP rs2091594113, ClinGen allele CA346776467.

ClinVar aggregate classification (germline): Pathogenic (1 of 4 stars; one submission).

Conditions:
Pitt-Hopkins-like syndrome 2 (PTHSL2). Identifiers: Orphanet 221150, Orphanet 600663, MedGen C3280479, MONDO:0013690, OMIM 614325.

Submission:

Labcorp Genetics (formerly Invitae), Labcorp
Classification: Pathogenic for Pitt-Hopkins-like syndrome 2. Last evaluated: 2022-11-16. Review status: criteria provided, single submitter. Criteria: Invitae Variant Classification Sherloc (09022015). Collection method: clinical testing. Allele origin: germline.
Comment: This variant is not present in population databases (gnomAD no frequency). This sequence change creates a premature translational stop signal (p.Trp1028*) in the NRXN1 gene. It is expected to result in an absent or disrupted protein product. Loss-of-function variants in NRXN1 are known to be pathogenic (PMID: 19896112, 21964664, 23495017, 23533028, 25149956, 30031152). This variant has not been reported in the literature in individuals affected with NRXN1-related conditions. For these reasons, this variant has been classified as Pathogenic.

Literature cited by the submitters: PubMed 19896112; PubMed 21964664; PubMed 23495017; PubMed 23533028; PubMed 25149956; PubMed 30031152.